The following is an entry in ClinVar:

NM_001148.6(ANK2):c.4673A>G (p.Asp1558Gly)

Gene: ANK2 (ankyrin 2; plus strand). Cytogenetic location: 4q26.
Variant type: single nucleotide variant.
Coding change: c.4673A>G on transcript NM_001148.6 (MANE Select); coding-DNA position 4673, A replaced by G.
Protein change: p.Asp1558Gly; replaces aspartic acid 1558 with glycine.
Molecular consequence: missense variant. On other transcripts: intron variant (68).
Genome position (GRCh38, 1-based): chr4:113,353,291, A>G. VCF-style: chr4-113353291-A-G. GRCh37 (hg19) VCF-style: chr4-114274447-A-G.
Other names: c.4439A>G, p.Asp1480Gly (NM_001386142.1); c.1073A>G, p.Asp358Gly (NM_001386166.1); c.4814A>G, p.Asp1605Gly (NM_001386174.1); c.4790A>G, p.Asp1597Gly (NM_001386175.1); c.4411+3042A>G (NM_001386186.2, NM_001386148.2); c.4213+3042A>G (NM_001354269.3); c.4291+3042A>G (NM_001386187.2); c.4252+3042A>G (NM_001386147.1); and 35 more; short protein forms D1558G, D1480G, D1597G, D1605G, D358G.
Identifiers: ClinVar variation 526950 (VCV000526950.7), dbSNP rs1554550305, ClinGen allele CA357915316.

ClinVar aggregate classification (germline): Uncertain significance (1 of 4 stars; one submission).

Conditions:
Long QT syndrome (LQTS). Identifiers: MedGen C0023976, MeSH D008133, MONDO:0002442. Disease mechanism: loss of function. Inheritance: Various modes of inheritance.
Long QT syndrome 4 (LQT4). Identifiers: Orphanet 101016, MedGen C1833154, MONDO:0800323.

Submission:

Labcorp Genetics (formerly Invitae), Labcorp
Classification: Uncertain significance for Long QT syndrome. Last evaluated: 2017-11-08. Review status: criteria provided, single submitter. Criteria: Invitae Variant Classification Sherloc (09022015). Collection method: clinical testing. Allele origin: germline.
Comment: This sequence change replaces aspartic acid with glycine at codon 1558 of the ANK2 protein (p.Asp1558Gly). The aspartic acid residue is moderately conserved and there is a moderate physicochemical difference between aspartic acid and glycine. In summary, the available evidence is currently insufficient to determine the role of this variant in disease. Therefore, it has been classified as a Variant of Uncertain Significance. Algorithms developed to predict the effect of missense changes on protein structure and function do not agree on the potential impact of this missense change (SIFT: "Deleterious"; PolyPhen-2: "Probably Damaging"; Align-GVGD: "Class C0"). This variant has not been reported in the literature in individuals with ANK2-related disease. This variant is not present in population databases (ExAC no frequency).